The following is an entry in ClinVar:

NM_013275.6(ANKRD11):c.6008C>T (p.Ala2003Val)

Gene: ANKRD11 (ankyrin repeat domain 11; minus strand). Cytogenetic location: 16q24.3.
Variant type: single nucleotide variant.
Coding change: c.6008C>T on transcript NM_013275.6 (MANE Select); coding-DNA position 6008, C replaced by T.
Protein change: p.Ala2003Val; replaces alanine 2003 with valine.
Molecular consequence: missense variant.
Genome position (GRCh38, 1-based): chr16:89,280,534, G>A on the plus strand (C>T on the coding strand, the complement: ANKRD11 is on the minus strand). VCF-style: chr16-89280534-G-A. GRCh37 (hg19) VCF-style: chr16-89346942-G-A.
Other names: c.6008C>T, p.Ala2003Val (NM_001256182.2, NM_001256183.2); c.6008C>T (NM_013275.4); short protein forms A2003V.
Identifiers: ClinVar variation 2848973 (VCV002848973.4), dbSNP rs1436041355, ClinGen allele CA397152241.

ClinVar aggregate classification (germline): Uncertain significance. Review status: criteria provided, multiple submitters, no conflicts (2 of 4 stars). 2 submissions from 2 submitters: Uncertain significance (2). Last evaluated 2026-04-27.

Conditions:
Inborn genetic diseases. Identifiers: MedGen C0950123, MeSH D030342.
KBG syndrome (KBGS). Also called: ANKRD11-Related KBG Syndrome. Identifiers: Orphanet 2332, MedGen C0220687, MONDO:0007846, OMIM 148050.

Allele frequency attached by ClinVar (database versions not stated): gnomAD exomes 0.00001; TOPMed 0.00001.
gnomAD v4.1: 8 of 1,612,316 alleles (0.0005%); highest among the groups gnomAD compares: Admixed American, 0.01%; no homozygotes.

Submissions (2):

Ambry Genetics
Classification: Uncertain significance for Inborn genetic diseases. Last evaluated: 2026-04-27. Review status: criteria provided, single submitter. Criteria: Ambry Variant Classification Scheme 2023. Collection method: clinical testing. Allele origin: germline.

Labcorp Genetics (formerly Invitae), Labcorp
Classification: Uncertain significance for KBG syndrome. Last evaluated: 2025-12-29. Review status: criteria provided, single submitter. Criteria: Invitae Variant Classification Sherloc (09022015). Collection method: clinical testing. Allele origin: germline.
Comment: This sequence change replaces alanine, which is neutral and non-polar, with valine, which is neutral and non-polar, at codon 2003 of the ANKRD11 protein (p.Ala2003Val). This variant is not present in population databases (gnomAD no frequency). This variant has not been reported in the literature in individuals affected with ANKRD11-related conditions. ClinVar contains an entry for this variant (Variation ID: 2848973). Invitae Evidence Modeling of protein sequence and biophysical properties (such as structural, functional, and spatial information, amino acid conservation, physicochemical variation, residue mobility, and thermodynamic stability) indicates that this missense variant is not expected to disrupt ANKRD11 protein function with a negative predictive value of 95%. In summary, the available evidence is currently insufficient to determine the role of this variant in disease. Therefore, it has been classified as a Variant of Uncertain Significance.